The following is an entry in ClinVar:

NM_006486.3(FBLN1):c.2018T>C (p.Val673Ala)

Gene: FBLN1 (fibulin 1; plus strand). Cytogenetic location: 22q13.31.
Variant type: single nucleotide variant.
Coding change: c.2018T>C on transcript NM_006486.3 (MANE Select); coding-DNA position 2018, T replaced by C.
Protein change: p.Val673Ala; replaces valine 673 with alanine.
Molecular consequence: missense variant.
Genome position (GRCh38, 1-based): chr22:45,600,352, T>C. VCF-style: chr22-45600352-T-C. GRCh37 (hg19) VCF-style: chr22-45996232-T-C.
Other names: short protein forms V673A.
Identifiers: ClinVar variation 1955682 (VCV001955682.5), dbSNP rs2518248472, ClinGen allele CA411890576.

ClinVar aggregate classification (germline): Uncertain significance (1 of 4 stars; one submission).

Allele frequency attached by ClinVar (database versions not stated): gnomAD exomes below 0.00001.

Submission:

Labcorp Genetics (formerly Invitae), Labcorp
Classification: Uncertain significance. Last evaluated: 2022-09-13. Review status: criteria provided, single submitter. Criteria: Invitae Variant Classification Sherloc (09022015). Collection method: clinical testing. Allele origin: germline.
Comment: Algorithms developed to predict the effect of missense changes on protein structure and function are either unavailable or do not agree on the potential impact of this missense change (SIFT: "Deleterious"; PolyPhen-2: "Benign"; Align-GVGD: "Class C0"). This variant has not been reported in the literature in individuals affected with FBLN1-related conditions. This variant is not present in population databases (gnomAD no frequency). This sequence change replaces valine, which is neutral and non-polar, with alanine, which is neutral and non-polar, at codon 673 of the FBLN1 protein (p.Val673Ala). In summary, the available evidence is currently insufficient to determine the role of this variant in disease. Therefore, it has been classified as a Variant of Uncertain Significance.